The following is an entry in ClinVar:

ClinVar aggregate classification (germline): Conflicting classifications of pathogenicity. Review status: criteria provided, conflicting classifications (1 of 4 stars). 7 submissions from 7 submitters: Uncertain significance (6); Likely benign (1). Last evaluated 2025-10-01.

Conditions:
Early-infantile DEE. Also called: Ohtahara syndrome; Early infantile epileptic encephalopathy; Early infantile epileptic encephalopathy with suppression bursts. Identifiers: Orphanet 1934, MedGen C0393706, MONDO:0800491.

Allele frequency attached by ClinVar (database versions not stated): ExAC 0.00001; gnomAD exomes 0.00001; gnomAD 0.00005; ESP Exome Variant Server 0.00008; TOPMed 0.00014.
gnomAD v4.1: 19 of 1,613,764 alleles (0.0012%); highest among the groups gnomAD compares: Admixed American, 0.0033%; no homozygotes.

Submissions (7):

CeGaT Center for Human Genetics Tuebingen
Classification: Uncertain significance. Last evaluated: 2025-10-01. Review status: criteria provided, single submitter. Criteria: CeGaT Center For Human Genetics Tuebingen Variant Classification Criteria Version 2. Collection method: clinical testing. Allele origin: germline. Affected: yes. Observed: 1 variant allele.

Labcorp Genetics (formerly Invitae), Labcorp
Classification: Uncertain significance for Early-infantile DEE. Last evaluated: 2025-04-28. Review status: criteria provided, single submitter. Criteria: Invitae Variant Classification Sherloc (09022015). Collection method: clinical testing. Allele origin: germline.
Comment: This sequence change replaces glutamic acid, which is acidic and polar, with alanine, which is neutral and non-polar, at codon 686 of the SCN1A protein (p.Glu686Ala). This variant is present in population databases (rs374767754, gnomAD 0.003%). This variant has not been reported in the literature in individuals affected with SCN1A-related conditions. ClinVar contains an entry for this variant (Variation ID: 282982). Invitae Evidence Modeling of protein sequence and biophysical properties (such as structural, functional, and spatial information, amino acid conservation, physicochemical variation, residue mobility, and thermodynamic stability) indicates that this missense variant is expected to disrupt SCN1A protein function with a positive predictive value of 95%. In summary, the available evidence is currently insufficient to determine the role of this variant in disease. Therefore, it has been classified as a Variant of Uncertain Significance.

Women's Health and Genetics/Laboratory Corporation of America, LabCorp
Classification: Uncertain significance. Last evaluated: 2024-11-04. Review status: criteria provided, single submitter. Criteria: LabCorp Variant Classification Summary - May 2015. Collection method: clinical testing. Allele origin: germline.
Comment: Variant summary: SCN1A c.2057A>C (p.Glu686Ala) results in a non-conservative amino acid change in the encoded protein sequence. Four of five in-silico tools predict a damaging effect of the variant on protein function. The variant allele was found at a frequency of 1.2e-05 in 251138 control chromosomes. The available data on variant occurrences in the general population are insufficient to allow any conclusion about variant significance. To our knowledge, no occurrence of c.2057A>C in individuals affected with SCN1A-Related Seizure Disorder and no experimental evidence demonstrating its impact on protein function have been reported. ClinVar contains an entry for this variant (Variation ID: 282982). Based on the evidence outlined above, the variant was classified as uncertain significance.

Revvity Omics, Revvity
Classification: Uncertain significance. Last evaluated: 2021-04-08. Review status: criteria provided, single submitter. Criteria: ACMG Guidelines, 2015. Collection method: clinical testing. Allele origin: germline.

GeneDx
Classification: Likely benign. Last evaluated: 2020-04-15. Review status: criteria provided, single submitter. Criteria: GeneDx Variant Classification Process June 2021. Collection method: clinical testing. Allele origin: germline. Affected: yes.

Center for Pediatric Genomic Medicine, Children's Mercy Hospital and Clinics
Classification: Uncertain significance. Last evaluated: 2016-09-28. Review status: criteria provided, single submitter. Criteria: ACMG Guidelines, 2015. Collection method: clinical testing. Allele origin: germline.
ClinVar note: Converted during submission from Uncertain Significance to Uncertain significance.

Eurofins Ntd Llc (ga)
Classification: Uncertain significance. Last evaluated: 2015-09-01. Review status: criteria provided, single submitter. Criteria: EGL Classification Definitions 2015. Collection method: clinical testing. Allele origin: germline. Observed: 2 variant alleles, 2 heterozygotes.

NM_001165963.4(SCN1A):c.2057A>C (p.Glu686Ala)

Gene: SCN1A (sodium voltage-gated channel alpha subunit 1; minus strand). Cytogenetic location: 2q24.3.
Variant type: single nucleotide variant.
Coding change: c.2057A>C on transcript NM_001165963.4 (MANE Select); coding-DNA position 2057, A replaced by C.
Protein change: p.Glu686Ala; replaces glutamic acid 686 with alanine.
Molecular consequence: missense variant. On other transcripts: 5 prime UTR variant (1), non-coding transcript variant (1).
Genome position (GRCh38, 1-based): chr2:166,042,411, T>G on the plus strand (A>C on the coding strand, the complement: SCN1A is on the minus strand). VCF-style: chr2-166042411-T-G. GRCh37 (hg19) VCF-style: chr2-166898921-T-G.
Other names: c.1973A>C, p.Glu658Ala (NM_001165964.3, NM_001353957.2, NM_001353958.2); c.2057A>C, p.Glu686Ala (NM_001202435.3, NM_001353948.2); c.2024A>C, p.Glu675Ala (NM_001353949.2, NM_001353950.2, NM_001353951.2 and 2 more transcripts); c.2021A>C, p.Glu674Ala (NM_001353954.2, NM_001353955.2); c.1970A>C, p.Glu657Ala (NM_001353960.2); c.-402A>C (NM_001353961.2); c.2057A>C (NM_001165963.3); short protein forms E675A, E686A, E674A, E657A, E658A.
Identifiers: ClinVar variation 282982 (VCV000282982.28), dbSNP rs374767754, ClinGen allele CA1943194.
Genomic context (GRCh38, chr2:166,042,411, plus strand): 5'-TCTTCTAGAAAGTCCATGGAAACGTGGAAAGAACTTGACCTTCTCTTTCTCATTTCAGTT[T>G]CAGTGGTTGTTCCCTGTAAAAAAAAATGCTAATGCATTAAACAATTAATTTGAGCAATAT-3'
Protein context (NP_001159435.1, residues 676-696): PATDDNGTTT[Glu686Ala]TEMRKRRSSS